The following is an entry in ClinVar:

ClinVar aggregate classification (germline): Uncertain significance. Review status: criteria provided, multiple submitters, no conflicts (2 of 4 stars). 2 submissions from 2 submitters: Uncertain significance (2). Last evaluated 2025-09-01.

Allele frequency attached by ClinVar (database versions not stated): gnomAD exomes 0.00001.
gnomAD v4.1: 18 of 1,614,122 alleles (0.0011%); highest among the groups gnomAD compares: Non-Finnish European, 0.0013%; no homozygotes.

Submissions (2):

Ambry Genetics
Classification: Uncertain significance. Last evaluated: 2025-09-01. Review status: criteria provided, single submitter. Criteria: Ambry Variant Classification Scheme 2023. Collection method: clinical testing. Allele origin: germline.

Labcorp Genetics (formerly Invitae), Labcorp
Classification: Uncertain significance. Last evaluated: 2022-08-23. Review status: criteria provided, single submitter. Criteria: Invitae Variant Classification Sherloc (09022015). Collection method: clinical testing. Allele origin: germline.
Comment: This variant has not been reported in the literature in individuals affected with AGAP1-related conditions. This variant is present in population databases (no rsID available, gnomAD 0.003%). This sequence change replaces arginine, which is basic and polar, with histidine, which is basic and polar, at codon 313 of the AGAP1 protein (p.Arg313His). In summary, the available evidence is currently insufficient to determine the role of this variant in disease. Therefore, it has been classified as a Variant of Uncertain Significance. Algorithms developed to predict the effect of missense changes on protein structure and function are either unavailable or do not agree on the potential impact of this missense change (SIFT: "Deleterious"; PolyPhen-2: "Probably Damaging"; Align-GVGD: "Class C0").

NM_001037131.3(AGAP1):c.938G>A (p.Arg313His)

Gene: AGAP1 (ArfGAP with GTPase domain, ankyrin repeat and PH domain 1; plus strand). Cytogenetic location: 2q37.2.
Variant type: single nucleotide variant.
Coding change: c.938G>A on transcript NM_001037131.3 (MANE Select); coding-DNA position 938, G replaced by A.
Protein change: p.Arg313His; replaces arginine 313 with histidine.
Molecular consequence: missense variant.
Genome position (GRCh38, 1-based): chr2:235,799,503, G>A. VCF-style: chr2-235799503-G-A. GRCh37 (hg19) VCF-style: chr2-236708147-G-A.
Other names: c.938G>A, p.Arg313His (NM_001244888.2, NM_001412122.1, NM_014914.5); c.938G>A (NM_001037131.2); short protein forms R313H.
Identifiers: ClinVar variation 2081307 (VCV002081307.5), dbSNP rs1435028150, ClinGen allele CA351181675.